The following is an entry in ClinVar:

ClinVar aggregate classification (germline): Pathogenic/Likely pathogenic. Review status: criteria provided, multiple submitters, no conflicts (2 of 4 stars). 2 submissions from 2 submitters: Pathogenic (1); Likely pathogenic (1). Last evaluated 2021-08-13.

Conditions:
Developmental and epileptic encephalopathy, 2 (DEE2). Also called: INFANTILE SPASM SYNDROME, X-LINKED 2; CDKL5 deficiency disorder. Identifiers: Orphanet 1934, Orphanet 3451, Orphanet 505652, MedGen C4750718, MONDO:0010396, OMIM 300672.
Angelman syndrome-like. Identifiers: MedGen CN128785.

Submissions (2):

Labcorp Genetics (formerly Invitae), Labcorp
Classification: Pathogenic for Developmental and epileptic encephalopathy, 2; Angelman syndrome-like. Last evaluated: 2021-08-13. Review status: criteria provided, single submitter. Criteria: Invitae Variant Classification Sherloc (09022015). Collection method: clinical testing. Allele origin: germline.

GeneDx
Classification: Likely pathogenic. Last evaluated: 2019-09-05. Review status: criteria provided, single submitter. Criteria: GeneDx Variant Classification Process June 2021. Collection method: clinical testing. Allele origin: germline. Affected: yes.
Comment: Nonsense variant predicted to result in protein truncation or nonsense mediated decay in a gene for which loss-of-function is a known mechanism of disease; Not observed in large population cohorts (Lek et al., 2016); Has not been previously published as pathogenic or benign to our knowledge; This variant is associated with the following publications: (PMID: 31313283)

NM_001323289.2(CDKL5):c.2345C>A (p.Ser782Ter)

Gene: CDKL5 (cyclin dependent kinase like 5; plus strand). Cytogenetic location: Xp22.13.
Variant type: single nucleotide variant.
Coding change: c.2345C>A on transcript NM_001323289.2 (MANE Select); coding-DNA position 2345, C replaced by A.
Protein change: p.Ser782Ter; replaces serine 782 with a stop codon.
Molecular consequence: nonsense.
Genome position (GRCh38, 1-based): chrX:18,619,935, C>A. VCF-style: chrX-18619935-C-A. GRCh37 (hg19) VCF-style: chrX-18638055-C-A.
Other names: c.2345C>A, p.Ser782Ter (NM_001037343.2, NM_003159.3); short protein forms S782*.
Identifiers: ClinVar variation 464812 (VCV000464812.10), dbSNP rs1555954074, ClinGen allele CA412363752.
Genomic context (GRCh38, chrX:18,619,935, plus strand): 5'-CTGAAAATATTAGTCATTCAGAGCAACTCAAGGAAAAAGAGAAGCAAGGATTTTTCAGGT[C>A]AATGAAAAAGAAAAAGAAGAAATCTCAAACAGTAAGTAGATGACCAGTTTCTATATATAA-3'